The following is an entry in ClinVar:

NM_013328.4(PYCR2):c.541G>T (p.Ala181Ser)

Gene: PYCR2 (pyrroline-5-carboxylate reductase 2; minus strand). Cytogenetic location: 1q42.12.
Variant type: single nucleotide variant.
Coding change: c.541G>T on transcript NM_013328.4 (MANE Select); coding-DNA position 541, G replaced by T.
Protein change: p.Ala181Ser; replaces alanine 181 with serine.
Molecular consequence: missense variant.
Genome position (GRCh38, 1-based): chr1:225,921,644, C>A on the plus strand (G>T on the coding strand, the complement: PYCR2 is on the minus strand). VCF-style: chr1-225921644-C-A. GRCh37 (hg19) VCF-style: chr1-226109344-C-A.
Other names: c.319G>T, p.Ala107Ser (NM_001271681.2); short protein forms A181S, A107S.
Identifiers: ClinVar variation 3150159 (VCV003150159.2), dbSNP rs754349088, ClinGen allele CA1420177.

ClinVar aggregate classification (germline): Likely pathogenic (1 of 4 stars; one submission).

Conditions:
Inborn genetic diseases. Identifiers: MedGen C0950123, MeSH D030342.

Allele frequency attached by ClinVar (database versions not stated): gnomAD 0.00001; TOPMed 0.00001; ExAC 0.00002.

Submission:

Ambry Genetics
Classification: Likely pathogenic for Inborn genetic diseases. Last evaluated: 2025-08-29. Review status: criteria provided, single submitter. Criteria: Ambry Variant Classification Scheme 2023. Collection method: clinical testing. Allele origin: germline.
Comment: The c.541G>T (p.A181S) alteration is located in exon 5 (coding exon 5) of the PYCR2 gene. This alteration results from a G to T substitution at nucleotide position 541, causing the alanine (A) at amino acid position 181 to be replaced by a serine (S). Based on data from gnomAD, the T allele has an overall frequency of 0.002% (4/251142) total alleles studied. The highest observed frequency was 0.006% (1/16246) of African alleles. This nucleotide position is highly conserved in available vertebrate species. RNA studies have demonstrated that this alteration results in abnormal splicing in the set of samples tested (Ambry internal data). In silico splice site analysis predicts that this alteration may weaken the native splice acceptor site. Based on the available evidence, this alteration is classified as likely pathogenic.